The following is an entry in ClinVar:

ClinVar aggregate classification (germline): Conflicting classifications of pathogenicity. Review status: criteria provided, conflicting classifications (1 of 4 stars). 4 submissions from 3 submitters: Uncertain significance (2); Benign (2). Last evaluated 2023-02-01.

Conditions:
Wolff-Parkinson-White pattern. Also called: Auriculoventricular accessory pathway syndrome; False bundle branch block syndrome; Anomalous ventricular excitation syndrome; WPW SYNDROME. Identifiers: MedGen C0043202, MONDO:0008685, OMIM 194200, HP:0001716.
Hypertrophic cardiomyopathy 6. Identifiers: MedGen C1833236, MONDO:0010946, OMIM 600858.

Allele frequency attached by ClinVar (database versions not stated): 1000 Genomes Project 30x 0.00156; TOPMed 0.00173; 1000 Genomes Project 0.00180; gnomAD 0.00377 and 0.00397.
gnomAD v4.1: 4,810 of 1,455,296 alleles (0.33%); highest among the groups gnomAD compares: Non-Finnish European, 0.3%; 30 homozygotes.

Submissions (4):

CeGaT Center for Human Genetics Tuebingen
Classification: Benign. Last evaluated: 2023-02-01. Review status: criteria provided, single submitter. Criteria: CeGaT Center For Human Genetics Tuebingen Variant Classification Criteria Version 2. Collection method: clinical testing. Allele origin: germline. Affected: yes. Observed: 6 variant alleles.
Comment: PRKAG2: BS1, BS2

Illumina Laboratory Services, Illumina
Classification: Uncertain significance for Wolff-Parkinson-White pattern. Last evaluated: 2018-01-12. Review status: criteria provided, single submitter. Criteria: ICSL Variant Classification Criteria 13 December 2019. Collection method: clinical testing. Allele origin: germline.

Illumina Laboratory Services, Illumina
Classification: Uncertain significance for Hypertrophic cardiomyopathy 6. Last evaluated: 2018-01-12. Review status: criteria provided, single submitter. Criteria: ICSL Variant Classification Criteria 13 December 2019. Collection method: clinical testing. Allele origin: germline.

GeneDx
Classification: Benign. Last evaluated: 2015-03-03. Review status: criteria provided, single submitter. Criteria: GeneDx Variant Classification Process June 2021. Collection method: clinical testing. Allele origin: germline. Affected: yes.

NM_016203.4(PRKAG2):c.*127C>G

Gene: PRKAG2 (protein kinase AMP-activated non-catalytic subunit gamma 2; minus strand). Cytogenetic location: 7q36.1.
Variant type: single nucleotide variant.
Coding change: c.*127C>G on transcript NM_016203.4 (MANE Select); 127 bases downstream of the stop codon, C replaced by G.
Molecular consequence: 3 prime UTR variant.
Genome position (GRCh38, 1-based): chr7:151,557,074, G>C on the plus strand (C>G on the coding strand, the complement: PRKAG2 is on the minus strand). VCF-style: chr7-151557074-G-C. GRCh37 (hg19) VCF-style: chr7-151254160-G-C.
Other names: c.*127C>G (NM_001040633.2, NM_001304527.2, NM_001304531.2 and 2 more transcripts).
Identifiers: ClinVar variation 359341 (VCV000359341.35), dbSNP rs189787963, ClinGen allele CA10623473.